The following is an entry in ClinVar:

ClinVar aggregate classification (germline): Uncertain significance (1 of 4 stars; one submission).

gnomAD v4.1: 9 of 1,614,214 alleles (0.00056%); highest among the groups gnomAD compares: Non-Finnish European, 0.00076%; no homozygotes.

Submission:

GeneDx
Classification: Uncertain significance. Last evaluated: 2023-12-27. Review status: criteria provided, single submitter. Criteria: GeneDx Variant Classification Process June 2021. Collection method: clinical testing. Allele origin: germline. Affected: yes.
Comment: Not observed at significant frequency in large population cohorts (gnomAD); In silico analysis supports that this missense variant does not alter protein structure/function; Has not been previously published as pathogenic or benign to our knowledge

NM_013275.6(ANKRD11):c.1106A>G (p.Lys369Arg)

Gene: ANKRD11 (ankyrin repeat domain containing 11; minus strand). Cytogenetic location: 16q24.3.
Variant type: single nucleotide variant.
Coding change: c.1106A>G on transcript NM_013275.6 (MANE Select); coding-DNA position 1106, A replaced by G.
Protein change: p.Lys369Arg; replaces lysine 369 with arginine.
Molecular consequence: missense variant.
Genome position (GRCh38, 1-based): chr16:89,285,436, T>C on the plus strand (A>G on the coding strand, the complement: ANKRD11 is on the minus strand). VCF-style: chr16-89285436-T-C. GRCh37 (hg19) VCF-style: chr16-89351844-T-C.
Other names: c.1106A>G, p.Lys369Arg (NM_001256182.2, NM_001256183.2); short protein forms K369R.
Identifiers: ClinVar variation 3343592 (VCV003343592.1).